The following is an entry in ClinVar:

ClinVar aggregate classification (germline): Uncertain significance. Review status: criteria provided, multiple submitters, no conflicts (2 of 4 stars). 6 submissions from 6 submitters: Uncertain significance (6). Last evaluated 2026-03-22.

Conditions:
Ataxia-pancytopenia syndrome (ATXPC). Also called: SAMD9L Ataxia-Pancytopenia Syndrome; SAMD9L-Related Syndrome. Identifiers: Orphanet 2585, MedGen C1327919, MONDO:0008038, OMIM 159550.
SAMD9L-related disorder. Also called: SAMD9L-related disorders; SAMD9L-related condition.

Submissions (6):

PreventionGenetics, part of Exact Sciences
Classification: Uncertain significance for SAMD9L-related condition. Last evaluated: 2026-03-22. Review status: criteria provided, single submitter. Criteria: ACMG Guidelines, 2015. Collection method: clinical testing. Allele origin: germline.
Comment: The SAMD9L c.3892C>G variant is predicted to result in the amino acid substitution p.Arg1298Gly. This variant has been reported in individuals with SAMD9L-related disorders (Nagata et al. 2018. PubMed ID: 30322869; Ngo et al. 2019. PubMed ID: 31692161; Monagel. 2023. PubMed ID: 36880537). This variant is reported in 0.0036% of alleles in individuals of European (Non-Finnish) descent in gnomAD. At this time, the clinical significance of this variant is uncertain due to the absence of conclusive functional and genetic evidence.

St. Jude Molecular Pathology, St. Jude Children's Research Hospital
Classification: Uncertain significance for Ataxia-pancytopenia syndrome. Last evaluated: 2025-06-17. Review status: criteria provided, single submitter. Criteria: St. Jude Assertion Criteria 2020. Collection method: clinical testing. Allele origin: germline.
Comment: The SAMD9L c.3892C>G p.(Arg1298Gly) missense change has a maximum subpopulation frequency of 0.0036% in gnomAD v2.1.1. The in silico tool REVEL predicts a benign effect on protein function, but to our knowledge this prediction has not been confirmed by functional studies. In silico predictions have not been found to correlate with syndromic risk and are not considered supporting evidence of a pathogenic or benign effect (PMID: 34621053). This variant has been reported in at least one adult with myelodysplastic syndrome (PMID: 30322869). In summary, the evidence currently available is insufficient to determine the clinical significance of this variant. It has therefore been classified as of uncertain significance.

Labcorp Genetics (formerly Invitae), Labcorp
Classification: Uncertain significance. Last evaluated: 2025-02-10. Review status: criteria provided, single submitter. Criteria: Invitae Variant Classification Sherloc (09022015). Collection method: clinical testing. Allele origin: germline.
Comment: This sequence change replaces arginine, which is basic and polar, with glycine, which is neutral and non-polar, at codon 1298 of the SAMD9L protein (p.Arg1298Gly). This variant is present in population databases (rs368520824, gnomAD 0.004%). This missense change has been observed in individual(s) with clinical features of ataxia-pancytopenia syndrome or bone marrow failure (PMID: 30322869, 31692161). ClinVar contains an entry for this variant (Variation ID: 1184716). An algorithm developed to predict the effect of missense changes on protein structure and function outputs the following: PolyPhen-2: "Benign". The glycine amino acid residue is found in multiple mammalian species, which suggests that this missense change does not adversely affect protein function. In summary, the available evidence is currently insufficient to determine the role of this variant in disease. Therefore, it has been classified as a Variant of Uncertain Significance.

ARUP Laboratories, Molecular Genetics and Genomics, ARUP Laboratories
Classification: Uncertain significance. Last evaluated: 2024-05-15. Review status: criteria provided, single submitter. Criteria: ARUP Molecular Germline Variant Investigation Process 2024. Collection method: clinical testing. Allele origin: germline.

GeneDx
Classification: Uncertain significance. Last evaluated: 2023-05-24. Review status: criteria provided, single submitter. Criteria: GeneDx Variant Classification Process June 2021. Collection method: clinical testing. Allele origin: germline. Affected: yes.
Comment: Not observed at significant frequency in large population cohorts (gnomAD); In silico analysis supports that this missense variant does not alter protein structure/function; This variant is associated with the following publications: (PMID: 30322869, 31692161, 36880537)

Genetic Services Laboratory, University of Chicago
Classification: Uncertain significance. Last evaluated: 2018-03-16. Review status: criteria provided, single submitter. Criteria: ACMG Guidelines, 2015. Collection method: clinical testing. Allele origin: germline. Affected: no.

Literature cited by the submitters: PubMed 30322869 (cited by Labcorp Genetics (formerly Invitae), Labcorp); PubMed 31692161 (cited by Labcorp Genetics (formerly Invitae), Labcorp).

NM_152703.5(SAMD9L):c.3892C>G (p.Arg1298Gly)

Gene: SAMD9L (sterile alpha motif domain containing 9 like; minus strand). Cytogenetic location: 7q21.2.
Variant type: single nucleotide variant.
Coding change: c.3892C>G on transcript NM_152703.5 (MANE Select); coding-DNA position 3892, C replaced by G.
Protein change: p.Arg1298Gly; replaces arginine 1298 with glycine.
Molecular consequence: missense variant.
Genome position (GRCh38, 1-based): chr7:93,132,080, G>C on the plus strand (C>G on the coding strand, the complement: SAMD9L is on the minus strand). VCF-style: chr7-93132080-G-C. GRCh37 (hg19) VCF-style: chr7-92761393-G-C.
Other names: c.3892C>G, p.Arg1298Gly (NM_001303496.3, NM_001303497.3, NM_001303498.3 and 5 more transcripts); short protein forms R1298G.
Identifiers: ClinVar variation 1184716 (VCV001184716.19), dbSNP rs368520824, ClinGen allele CA4343388.
Genomic context (GRCh38, chr7:93,132,080, plus strand): 5'-TACTTTGTAATAGACATGGATCCAAATGACAGAAAAGTTCTGTGTATTTCCTGAAACAAC[G>C]ACTGACTTTCTTGCTTAACATGATTTCTGCAATTTCTTTTTGGGTATACCTCATTTTCAG-3'
Protein context (NP_689916.2, residues 1288-1308): AEIMLSKKVS[Arg1298Gly]CFRKYTELFC